The following is an entry in ClinVar:

ClinVar aggregate classification (germline): Uncertain significance (1 of 4 stars; one submission).

Submission:

GeneDx
Classification: Uncertain significance. Last evaluated: 2022-06-01. Review status: criteria provided, single submitter. Criteria: GeneDx Variant Classification Process June 2021. Collection method: clinical testing. Allele origin: germline. Affected: yes.
Comment: Not observed in large population cohorts (gnomAD); In silico analysis supports that this missense variant has a deleterious effect on protein structure/function; Has not been previously published as pathogenic or benign to our knowledge

NM_004700.4(KCNQ4):c.791A>T (p.Asn264Ile)

Gene: KCNQ4 (potassium voltage-gated channel subfamily Q member 4; plus strand). Cytogenetic location: 1p34.2.
Variant type: single nucleotide variant.
Coding change: c.791A>T on transcript NM_004700.4 (MANE Select); coding-DNA position 791, A replaced by T.
Protein change: p.Asn264Ile; replaces asparagine 264 with isoleucine.
Molecular consequence: missense variant.
Genome position (GRCh38, 1-based): chr1:40,819,429, A>T. VCF-style: chr1-40819429-A-T. GRCh37 (hg19) VCF-style: chr1-41285101-A-T.
Other names: c.791A>T, p.Asn264Ile (NM_172163.3); short protein forms N264I.
Identifiers: ClinVar variation 1693041 (VCV001693041.2), dbSNP rs745846744, ClinGen allele CA339895597.
Genomic context (GRCh38, chr1:40,819,429, plus strand): 5'-TCGGGTTCCTGGTGCTCATCTTCGCCTCCTTCCTGGTCTACCTGGCTGAGAAGGACGCCA[A>T]CTCCGACTTCTCCTCCTACGCCGACTCGCTCTGGTGGGGGACGGTGCGTGAGGGTCTTTG-3'
Protein context (NP_004691.2, residues 254-274): FLVYLAEKDA[Asn264Ile]SDFSSYADSL